The following is an entry in ClinVar:

NM_005732.4(RAD50):c.1089T>A (p.His363Gln)

Gene: RAD50 (RAD50 double strand break repair protein; plus strand). Cytogenetic location: 5q31.1.
Variant type: single nucleotide variant.
Coding change: c.1089T>A on transcript NM_005732.4 (MANE Select); coding-DNA position 1089, T replaced by A.
Protein change: p.His363Gln; replaces histidine 363 with glutamine.
Molecular consequence: missense variant.
Genome position (GRCh38, 1-based): chr5:132,588,724, T>A. VCF-style: chr5-132588724-T-A. GRCh37 (hg19) VCF-style: chr5-131924416-T-A.
Other names: short protein forms H363Q.
Identifiers: ClinVar variation 1445410 (VCV001445410.8), dbSNP rs1444100893, ClinGen allele CA360942241.

ClinVar aggregate classification (germline): Uncertain significance (1 of 4 stars; one submission).

Conditions:
Hereditary cancer-predisposing syndrome. Also called: Tumor predisposition; Hereditary Cancer Syndrome; Hereditary neoplastic syndrome; Neoplastic Syndromes, Hereditary. Identifiers: Orphanet 140162, MedGen C0027672, MeSH D009386, MONDO:0015356.

Submission:

Labcorp Genetics (formerly Invitae), Labcorp
Classification: Uncertain significance for Hereditary cancer-predisposing syndrome. Last evaluated: 2021-06-23. Review status: criteria provided, single submitter. Criteria: Invitae Variant Classification Sherloc (09022015). Collection method: clinical testing. Allele origin: germline.
Comment: In summary, the available evidence is currently insufficient to determine the role of this variant in disease. Therefore, it has been classified as a Variant of Uncertain Significance. Algorithms developed to predict the effect of missense changes on protein structure and function output the following: SIFT: "Tolerated"; PolyPhen-2: "Benign"; Align-GVGD: "Class C0". The glutamine amino acid residue is found in multiple mammalian species, suggesting that this missense change does not adversely affect protein function. These predictions have not been confirmed by published functional studies and their clinical significance is uncertain. This variant has not been reported in the literature in individuals with RAD50-related conditions. This variant is not present in population databases (ExAC no frequency). This sequence change replaces histidine with glutamine at codon 363 of the RAD50 protein (p.His363Gln). The histidine residue is moderately conserved and there is a small physicochemical difference between histidine and glutamine.